The following is an entry in ClinVar:

NM_001036.6(RYR3):c.8137-3T>C

Gene: RYR3 (ryanodine receptor 3; plus strand). Cytogenetic location: 15q14.
Variant type: single nucleotide variant.
Coding change: c.8137-3T>C on transcript NM_001036.6 (MANE Select); 3 bases into the intron before coding-DNA position 8137, T replaced by C.
Molecular consequence: intron variant.
Genome position (GRCh38, 1-based): chr15:33,748,465, T>C. VCF-style: chr15-33748465-T-C. GRCh37 (hg19) VCF-style: chr15-34040666-T-C.
Other names: c.8137-3T>C (NM_001243996.4).
Identifiers: ClinVar variation 531102 (VCV000531102.19), dbSNP rs141534340, ClinGen allele CA7460110.

ClinVar aggregate classification (germline): Likely benign. Review status: criteria provided, multiple submitters, no conflicts (2 of 4 stars). 3 submissions from 3 submitters: Likely benign (3). Last evaluated 2025-11-01.

Conditions:
Epileptic encephalopathy. Identifiers: MedGen C0543888, HP:0200134.

Allele frequency attached by ClinVar (database versions not stated): gnomAD exomes 0.00002 and 0.00017; gnomAD 0.00008 and 0.00010; TOPMed 0.00011; ExAC 0.00018; 1000 Genomes Project 30x 0.00047; 1000 Genomes Project 0.00060.
gnomAD v4.1: 93 of 1,613,164 alleles (0.0058%); highest among the groups gnomAD compares: East Asian, 0.085%; 2 homozygotes.

Submissions (3):

CeGaT Center for Human Genetics Tuebingen
Classification: Likely benign. Last evaluated: 2025-11-01. Review status: criteria provided, single submitter. Criteria: CeGaT Center For Human Genetics Tuebingen Variant Classification Criteria Version 2. Collection method: clinical testing. Allele origin: germline. Affected: yes. Observed: 1 variant allele.
Comment: RYR3: BP4

Women's Health and Genetics/Laboratory Corporation of America, LabCorp
Classification: Likely benign. Last evaluated: 2025-05-30. Review status: criteria provided, single submitter. Criteria: LabCorp Variant Classification Summary - May 2015. Collection method: clinical testing. Allele origin: germline.
Comment: Variant summary: RYR3 c.8137-3T>C alters a non-conserved nucleotide located close to a canonical splice site and therefore could affect mRNA splicing, leading to a significantly altered protein sequence. Consensus agreement among computation tools predicts no significant impact on normal splicing. However, these predictions have yet to be confirmed by functional studies. The variant allele was found at a frequency of 5.8e-05 in 1606194 control chromosomes in the gnomAD database (v4.1 dataset), including 2 homozygotes. The variant was reported predominantly within the East Asian subpopulation at a frequency of 0.00085. To our knowledge, no occurrence of c.8137-3T>C in individuals affected with Congenital Myopathy 20 and no experimental evidence demonstrating its impact on protein function have been reported. ClinVar contains an entry for this variant (Variation ID: 531102). Based on the evidence outlined above, the variant was classified as likely benign.

Labcorp Genetics (formerly Invitae), Labcorp
Classification: Likely benign for Epileptic encephalopathy. Last evaluated: 2024-07-01. Review status: criteria provided, single submitter. Criteria: Invitae Variant Classification Sherloc (09022015). Collection method: clinical testing. Allele origin: germline.